The following is an entry in ClinVar:

NM_032119.4(ADGRV1):c.5524+2T>C

Gene: ADGRV1 (adhesion G protein-coupled receptor V1; plus strand). Cytogenetic location: 5q14.3.
Variant type: single nucleotide variant.
Coding change: c.5524+2T>C on transcript NM_032119.4 (MANE Select); the canonical splice donor site of the intron after coding-DNA position 5524, T replaced by C.
Molecular consequence: splice donor variant.
Genome position (GRCh38, 1-based): chr5:90,679,631, T>C. VCF-style: chr5-90679631-T-C. GRCh37 (hg19) VCF-style: chr5-89975448-T-C.
Identifiers: ClinVar variation 1066397 (VCV001066397.7), dbSNP rs371375835, ClinGen allele CA3339593.
Genomic context (GRCh38, chr5:90,679,631, plus strand): 5'-TGGAAGTGGTAGTGGTGATGGGGACATGGAATTCTTCCTTCCAACTATTCACAAACGTGG[T>C]AAGCAGTTTTTCCAAGGTCCTTTACTATTATAGGTTTTTATTTTAACTTCTCATTTTAGA-3'

ClinVar aggregate classification (germline): Likely pathogenic (1 of 4 stars; one submission).

Allele frequency attached by ClinVar (database versions not stated): gnomAD exomes below 0.00001 and 0.00001; ExAC 0.00002; gnomAD 0.00002; TOPMed 0.00002; ESP Exome Variant Server 0.00008.
gnomAD v4.1: 7 of 1,610,442 alleles (0.00043%); highest among the groups gnomAD compares: African/African-American, 0.0027%; no homozygotes.

Submission:

Labcorp Genetics (formerly Invitae), Labcorp
Classification: Likely pathogenic. Last evaluated: 2020-05-20. Review status: criteria provided, single submitter. Criteria: Invitae Variant Classification Sherloc (09022015). Collection method: clinical testing. Allele origin: germline.
Comment: In summary, the currently available evidence indicates that the variant is pathogenic, but additional data are needed to prove that conclusively. Therefore, this variant has been classified as Likely Pathogenic. Donor and acceptor splice site variants typically lead to a loss of protein function (PMID: 16199547), and loss-of-function variants in ADGRV1 are known to be pathogenic (PMID: 19357117, 22135276, 22147658). Algorithms developed to predict the effect of sequence changes on RNA splicing suggest that this variant may disrupt the consensus splice site, but this prediction has not been confirmed by published transcriptional studies. This variant has not been reported in the literature in individuals with ADGRV1-related conditions. This variant is present in population databases (rs371375835, ExAC 0.01%). This sequence change affects a donor splice site in intron 26 of the ADGRV1 gene. It is expected to disrupt RNA splicing and likely results in an absent or disrupted protein product.

Literature cited by the submitters: PubMed 16199547; PubMed 19357117; PubMed 22135276; PubMed 22147658.